The following is an entry in ClinVar:

NM_031844.3(HNRNPU):c.804-3C>T

Gene: HNRNPU (heterogeneous nuclear ribonucleoprotein U; minus strand). Cytogenetic location: 1q44.
Variant type: single nucleotide variant.
Coding change: c.804-3C>T on transcript NM_031844.3 (MANE Select); 3 bases into the intron before coding-DNA position 804, C replaced by T.
Molecular consequence: intron variant.
Genome position (GRCh38, 1-based): chr1:244,862,537, G>A on the plus strand (C>T on the coding strand, the complement: HNRNPU is on the minus strand). VCF-style: chr1-244862537-G-A. GRCh37 (hg19) VCF-style: chr1-245025839-G-A.
Other names: c.747-3C>T (NM_004501.3).
Identifiers: ClinVar variation 946326 (VCV000946326.8), dbSNP rs1558189513, ClinGen allele CA1139656740.
Genomic context (GRCh38, chr1:244,862,537, plus strand): 5'-CACTGTGTCATCGAAGTGTTCATCTTCTTCTTCAACAGGTGGCTGAGGAGATTTGGCTCT[G>A]AAAGACAGAATTGTCTCCTGATACAGCTTTCCGATCAACGAACGAATAAGGGATGAGTAA-3'

ClinVar aggregate classification (germline): Uncertain significance (1 of 4 stars; one submission).

Conditions:
Developmental and epileptic encephalopathy, 54. Also called: Epileptic encephalopathy, early infantile, 54; HNRNPU-Related Neurodevelopmental Disorder. Identifiers: MedGen C4479319, MONDO:0033363, OMIM 617391.

Allele frequency attached by ClinVar (database versions not stated): gnomAD exomes below 0.00001.
gnomAD v4.1: 1 of 1,613,554 alleles (0.000062%); no homozygotes.

Submission:

Labcorp Genetics (formerly Invitae), Labcorp
Classification: Uncertain significance for Developmental and epileptic encephalopathy, 54. Last evaluated: 2021-06-04. Review status: criteria provided, single submitter. Criteria: Invitae Variant Classification Sherloc (09022015). Collection method: clinical testing. Allele origin: germline.
Comment: In summary, the available evidence is currently insufficient to determine the role of this variant in disease. Therefore, it has been classified as a Variant of Uncertain Significance. Nucleotide substitutions within the consensus splice site are a relatively common cause of aberrant splicing (PMID: 17576681, 9536098). Algorithms developed to predict the effect of sequence changes on RNA splicing suggest that this variant is not likely to affect RNA splicing. ClinVar contains an entry for this variant (Variation ID: 946326). This variant has not been reported in the literature in individuals affected with HNRNPU-related conditions. This variant is not present in population databases (ExAC no frequency). This sequence change falls in intron 2 of the HNRNPU gene. It does not directly change the encoded amino acid sequence of the HNRNPU protein. It affects a nucleotide within the consensus splice site of the intron.

Literature cited by the submitters: PubMed 17576681; PubMed 9536098.